The following is an entry in ClinVar:

ClinVar aggregate classification (germline): Uncertain significance (1 of 4 stars; one submission).

Submission:

GeneDx
Classification: Uncertain significance. Last evaluated: 2023-02-01. Review status: criteria provided, single submitter. Criteria: GeneDx Variant Classification Process June 2021. Collection method: clinical testing. Allele origin: germline. Affected: yes.
Comment: Not observed at significant frequency in large population cohorts (gnomAD); In silico analysis supports that this missense variant does not alter protein structure/function; Has not been previously published as pathogenic or benign to our knowledge

NM_024496.4(IRF2BPL):c.340C>G (p.Gln114Glu)

Gene: IRF2BPL (interferon regulatory factor 2 binding protein like; minus strand). Cytogenetic location: 14q24.3.
Variant type: single nucleotide variant.
Coding change: c.340C>G on transcript NM_024496.4 (MANE Select); coding-DNA position 340, C replaced by G.
Protein change: p.Gln114Glu; replaces glutamine 114 with glutamic acid.
Molecular consequence: missense variant.
Genome position (GRCh38, 1-based): chr14:77,027,453, G>C on the plus strand (C>G on the coding strand, the complement: IRF2BPL is on the minus strand). VCF-style: chr14-77027453-G-C. GRCh37 (hg19) VCF-style: chr14-77493796-G-C.
Other names: short protein forms Q114E.
Identifiers: ClinVar variation 2574813 (VCV002574813.1), dbSNP rs1428829756, ClinGen allele CA390499953.
Genomic context (GRCh38, chr14:77,027,453, plus strand): 5'-AACCATCAACGTGGTTGAGCTGTTGTTGCTGCTGCTGCTGCTGCTGCTGCTGCTGCTGTT[G>C]CTGCTGCTGCTGCTGCTGTTGCTGTTGCTGTTGCGCGGCGGCGGCGGCGGCCGCCGCTGC-3'
Protein context (NP_078772.1, residues 104-124): QQQQQQQQQQ[Gln114Glu]QQQQQQQQQQ